The following is an entry in ClinVar:

NM_024079.5(ALG8):c.478+6C>T

Gene: ALG8 (ALG8 alpha-1,3-glucosyltransferase; minus strand). Cytogenetic location: 11q14.1.
Variant type: single nucleotide variant.
Coding change: c.478+6C>T on transcript NM_024079.5 (MANE Select); 6 bases into the intron after coding-DNA position 478, C replaced by T.
Molecular consequence: intron variant.
Genome position (GRCh38, 1-based): chr11:78,121,059, G>A on the plus strand (C>T on the coding strand, the complement: ALG8 is on the minus strand). VCF-style: chr11-78121059-G-A. GRCh37 (hg19) VCF-style: chr11-77832105-G-A.
Other names: c.478+6C>T (NM_001007027.3).
Identifiers: ClinVar variation 2150812 (VCV002150812.4), dbSNP rs1164634618, ClinGen allele CA2580084967.

ClinVar aggregate classification (germline): Uncertain significance (1 of 4 stars; one submission).

Conditions:
ALG8 congenital disorder of glycosylation. Also called: CONGENITAL DISORDER OF GLYCOSYLATION, TYPE Ih; CDG Ih; ALG8-CDG. Identifiers: Orphanet 79325, MedGen C2931002, MONDO:0011969, OMIM 608104.

Submission:

Labcorp Genetics (formerly Invitae), Labcorp
Classification: Uncertain significance for ALG8 congenital disorder of glycosylation. Last evaluated: 2022-03-25. Review status: criteria provided, single submitter. Criteria: Invitae Variant Classification Sherloc (09022015). Collection method: clinical testing. Allele origin: germline.
Comment: This sequence change falls in intron 4 of the ALG8 gene. It does not directly change the encoded amino acid sequence of the ALG8 protein. It affects a nucleotide within the consensus splice site. This variant is not present in population databases (gnomAD no frequency). In summary, the available evidence is currently insufficient to determine the role of this variant in disease. Therefore, it has been classified as a Variant of Uncertain Significance. Variants that disrupt the consensus splice site are a relatively common cause of aberrant splicing (PMID: 17576681, 9536098). Algorithms developed to predict the effect of sequence changes on RNA splicing suggest that this variant may disrupt the consensus splice site. This variant has not been reported in the literature in individuals affected with ALG8-related conditions.

Literature cited by the submitters: PubMed 17576681; PubMed 9536098.